The following is an entry in ClinVar:

ClinVar aggregate classification (germline): Uncertain significance (1 of 4 stars; one submission).

Allele frequency attached by ClinVar (database versions not stated): gnomAD exomes below 0.00001.
gnomAD v4.1: 1 of 1,614,036 alleles (0.000062%); highest among the groups gnomAD compares: Non-Finnish European, 0.000085%; no homozygotes.

Submission:

Labcorp Genetics (formerly Invitae), Labcorp
Classification: Uncertain significance. Last evaluated: 2021-11-26. Review status: criteria provided, single submitter. Criteria: Invitae Variant Classification Sherloc (09022015). Collection method: clinical testing. Allele origin: germline.
Comment: This variant has not been reported in the literature in individuals affected with KANK1-related conditions. This sequence change replaces asparagine, which is neutral and polar, with threonine, which is neutral and polar, at codon 151 of the KANK1 protein (p.Asn151Thr). This variant is not present in population databases (gnomAD no frequency). Algorithms developed to predict the effect of missense changes on protein structure and function are either unavailable or do not agree on the potential impact of this missense change (SIFT: "Deleterious"; PolyPhen-2: "Possibly Damaging"; Align-GVGD: "Class C0"). In summary, the available evidence is currently insufficient to determine the role of this variant in disease. Therefore, it has been classified as a Variant of Uncertain Significance.

NM_015158.5(KANK1):c.452A>C (p.Asn151Thr)

Gene: KANK1 (KN motif and ankyrin repeat domains 1; plus strand). Cytogenetic location: 9p24.3.
Variant type: single nucleotide variant.
Coding change: c.452A>C on transcript NM_015158.5 (MANE Select); coding-DNA position 452, A replaced by C.
Protein change: p.Asn151Thr; replaces asparagine 151 with threonine.
Molecular consequence: missense variant. On other transcripts: 5 prime UTR variant (12), non-coding transcript variant (1).
Genome position (GRCh38, 1-based): chr9:711,218, A>C. VCF-style: chr9-711218-A-C. GRCh37 (hg19) VCF-style: chr9-711218-A-C.
Other names: c.452A>C, p.Asn151Thr (NM_001256876.3, NM_001256877.3, NM_001354331.2 and 2 more transcripts); c.-23A>C (NM_001354344.2, NM_153186.6, NM_001354333.2 and 9 more transcripts); short protein forms N151T.
Identifiers: ClinVar variation 1998057 (VCV001998057.4), dbSNP rs2539681764, ClinGen allele CA372746183.
Genomic context (GRCh38, chr9:711,218, plus strand): 5'-TTCTTACCATCCCAGAAAATCGACAGCTGCCACCTCCCTCACCACAACTCCCAAAGCATA[A>C]CCTTCATGTCACCAAGACACTGATGGAGACCCGGAGAAGACTGGAACAGGAGAGAGCCAC-3'
Protein context (NP_055973.2, residues 141-161): PPPSPQLPKH[Asn151Thr]LHVTKTLMET